The following is an entry in ClinVar:

NM_000719.7(CACNA1C):c.142G>C (p.Ala48Pro)

Gene: CACNA1C (calcium voltage-gated channel subunit alpha1 C; plus strand). Cytogenetic location: 12p13.33.
Variant type: single nucleotide variant.
Coding change: c.142G>C on transcript NM_000719.7 (MANE Select); coding-DNA position 142, G replaced by C.
Protein change: p.Ala48Pro; replaces alanine 48 with proline.
Molecular consequence: missense variant.
Genome position (GRCh38, 1-based): chr12:2,115,316, G>C. VCF-style: chr12-2115316-G-C. GRCh37 (hg19) VCF-style: chr12-2224482-G-C.
Other names: c.142G>C, p.Ala48Pro (NM_001129827.2, NM_001129829.2, NM_001129830.3 and 19 more transcripts); short protein forms A48P.
Identifiers: ClinVar variation 2159689 (VCV002159689.3), dbSNP rs1157586705, ClinGen allele CA383653017.

ClinVar aggregate classification (germline): Uncertain significance (1 of 4 stars; one submission).

Conditions:
Long QT syndrome (LQTS). Identifiers: MedGen C0023976, MeSH D008133, MONDO:0002442. Disease mechanism: loss of function. Inheritance: Various modes of inheritance.

gnomAD v4.1: 9 of 1,595,350 alleles (0.00056%); highest among the groups gnomAD compares: Non-Finnish European, 0.00077%; no homozygotes.

Submission:

Labcorp Genetics (formerly Invitae), Labcorp
Classification: Uncertain significance for Long QT syndrome. Last evaluated: 2025-03-05. Review status: criteria provided, single submitter. Criteria: Invitae Variant Classification Sherloc (09022015). Collection method: clinical testing. Allele origin: germline.
Comment: This sequence change replaces alanine, which is neutral and non-polar, with proline, which is neutral and non-polar, at codon 48 of the CACNA1C protein (p.Ala48Pro). This variant is present in population databases (no rsID available, gnomAD 0.005%). This variant has not been reported in the literature in individuals affected with CACNA1C-related conditions. ClinVar contains an entry for this variant (Variation ID: 2159689). Invitae Evidence Modeling of protein sequence and biophysical properties (such as structural, functional, and spatial information, amino acid conservation, physicochemical variation, residue mobility, and thermodynamic stability) indicates that this missense variant is not expected to disrupt CACNA1C protein function with a negative predictive value of 95%. In summary, the available evidence is currently insufficient to determine the role of this variant in disease. Therefore, it has been classified as a Variant of Uncertain Significance.